The following is an entry in ClinVar:

NM_000138.5(FBN1):c.7988G>A (p.Cys2663Tyr)

Gene: FBN1 (fibrillin 1; minus strand). Cytogenetic location: 15q21.1.
Variant type: single nucleotide variant.
Coding change: c.7988G>A on transcript NM_000138.5 (MANE Select); coding-DNA position 7988, G replaced by A.
Protein change: p.Cys2663Tyr; replaces cysteine 2663 with tyrosine.
Molecular consequence: missense variant.
Genome position (GRCh38, 1-based): chr15:48,415,599, C>T on the plus strand (G>A on the coding strand, the complement: FBN1 is on the minus strand). VCF-style: chr15-48415599-C-T. GRCh37 (hg19) VCF-style: chr15-48707796-C-T.
Other names: short protein forms C2663Y.
Identifiers: ClinVar variation 661431 (VCV000661431.12), dbSNP rs1597509631, ClinGen allele CA392322775.

ClinVar aggregate classification (germline): Pathogenic/Likely pathogenic. Review status: criteria provided, multiple submitters, no conflicts (2 of 4 stars). 3 submissions from 3 submitters: Pathogenic (1); Likely pathogenic (2). Last evaluated 2025-07-31.

Conditions:
Familial thoracic aortic aneurysm and aortic dissection (TAAD). Also called: Thoracic aortic aneurysms and dissections. Identifiers: Orphanet 91387, MedGen C4707243, MONDO:0019625.
Marfan syndrome (MFS). Also called: FBN1-Related Marfan Syndrome; Marfan syndrome type 1; Marfan's syndrome; Marfan syndrome, classic; MARFAN SYNDROME, TYPE I. Identifiers: Orphanet 284963, Orphanet 558, MedGen C0024796, MONDO:0007947, OMIM 154700.
FBN1-related disorder. Also called: FBN1-related disorders.

Submissions (3):

Labcorp Genetics (formerly Invitae), Labcorp
Classification: Pathogenic for Marfan syndrome; Familial thoracic aortic aneurysm and aortic dissection. Last evaluated: 2025-07-31. Review status: criteria provided, single submitter. Criteria: Invitae Variant Classification Sherloc (09022015). Collection method: clinical testing. Allele origin: germline.
Comment: This sequence change replaces cysteine, which is neutral and slightly polar, with tyrosine, which is neutral and polar, at codon 2663 of the FBN1 protein (p.Cys2663Tyr). This variant is not present in population databases (gnomAD no frequency). This missense change has been observed in individual(s) with Marfan syndrome (PMID: 28855619; internal data). ClinVar contains an entry for this variant (Variation ID: 661431). Invitae Evidence Modeling of protein sequence and biophysical properties (such as structural, functional, and spatial information, amino acid conservation, physicochemical variation, residue mobility, and thermodynamic stability) indicates that this missense variant is expected to disrupt FBN1 protein function with a positive predictive value of 95%. This variant affects a cysteine residue in the EGF-like, TGFBP or hybrid motif domains of FBN1. Cysteine residues are believed to be involved in intramolecular disulfide bridges and have been shown to be important for FBN1 protein structure (PMID: 16905551, 19349279). In addition, missense substitutions affecting cysteine residues within these domains are significantly overrepresented among patients with Marfan syndrome (PMID: 16571647, 17701892). This variant disrupts the p.Cys2663 amino acid residue in FBN1. Other variant(s) that disrupt this residue have been observed in individuals with FBN1-related conditions (PMID: 15221638, 26787436), which suggests that this may be a clinically significant amino acid residue. For these reasons, this variant has been classified as Pathogenic.

GeneDx
Classification: Likely pathogenic. Last evaluated: 2025-07-14. Review status: criteria provided, single submitter. Criteria: GeneDx Variant Classification Process June 2021. Collection method: clinical testing. Allele origin: germline. Affected: yes.
Comment: Affects a cysteine residue within an EGF-like domain of the FBN1 gene, which may affect disulfide bonding and is predicted to alter the structure and function of the protein; cysteine substitutions in the EGF-like domains represent the majority of pathogenic missense changes associated with FBN1-related disorders (PMID: 12938084); Not observed at significant frequency in large population cohorts (gnomAD); In silico analysis supports that this missense variant has a deleterious effect on protein structure/function; This variant is associated with the following publications: (PMID: 12938084, 28855619)

Blueprint Genetics
Classification: Likely pathogenic for FBN1-related disorders. Last evaluated: 2021-04-23. Review status: criteria provided, single submitter. Criteria: ACMG Guidelines, 2015. Collection method: clinical testing. Allele origin: germline. Affected: yes. Observed: 1 variant allele.

Literature cited by the submitters: PubMed 28855619 (cited by Labcorp Genetics (formerly Invitae), Labcorp); PubMed 16905551 (cited by Labcorp Genetics (formerly Invitae), Labcorp); PubMed 19349279 (cited by Labcorp Genetics (formerly Invitae), Labcorp); PubMed 16571647 (cited by Labcorp Genetics (formerly Invitae), Labcorp); PubMed 17701892 (cited by Labcorp Genetics (formerly Invitae), Labcorp); PubMed 15221638 (cited by Labcorp Genetics (formerly Invitae), Labcorp); PubMed 26787436 (cited by Labcorp Genetics (formerly Invitae), Labcorp).